The following is an entry in ClinVar:

NM_000329.3(RPE65):c.624G>T (p.Lys208Asn)

Gene: RPE65 (retinoid isomerohydrolase RPE65; minus strand). Cytogenetic location: 1p31.3.
Variant type: single nucleotide variant.
Coding change: c.624G>T on transcript NM_000329.3 (MANE Select); coding-DNA position 624, G replaced by T.
Protein change: p.Lys208Asn; replaces lysine 208 with asparagine.
Molecular consequence: missense variant.
Genome position (GRCh38, 1-based): chr1:68,440,872, C>A on the plus strand (G>T on the coding strand, the complement: RPE65 is on the minus strand). VCF-style: chr1-68440872-C-A. GRCh37 (hg19) VCF-style: chr1-68906555-C-A.
Other names: short protein forms K208N.
Identifiers: ClinVar variation 1044484 (VCV001044484.8), dbSNP rs1170839612, ClinGen allele CA340746818.

ClinVar aggregate classification (germline): Uncertain significance (1 of 4 stars; one submission).

Conditions:
Retinitis pigmentosa 20 (RP20). Identifiers: Orphanet 791, MedGen C3151086, MONDO:0013425, OMIM 613794.
Leber congenital amaurosis 2 (LCA2). Also called: AMAUROSIS CONGENITA OF LEBER II; Autosomal Recessive RPE65-Related Retinal Degeneration. Identifiers: Orphanet 65, MedGen C1859844, MONDO:0008765, OMIM 204100. Disease mechanism: loss of function.

Allele frequency attached by ClinVar (database versions not stated): TOPMed below 0.00001.
gnomAD v4.1: 2 of 1,613,980 alleles (0.00012%); highest among the groups gnomAD compares: South Asian, 0.0022%; 1 homozygote.

Submission:

Labcorp Genetics (formerly Invitae), Labcorp
Classification: Uncertain significance for Leber congenital amaurosis 2; Retinitis pigmentosa 20. Last evaluated: 2025-03-17. Review status: criteria provided, single submitter. Criteria: Invitae Variant Classification Sherloc (09022015). Collection method: clinical testing. Allele origin: germline.
Comment: This sequence change replaces lysine, which is basic and polar, with asparagine, which is neutral and polar, at codon 208 of the RPE65 protein (p.Lys208Asn). This variant is not present in population databases (gnomAD no frequency). This missense change has been observed in individual(s) with clinical features of RPE65-related conditions (internal data). ClinVar contains an entry for this variant (Variation ID: 1044484). Invitae Evidence Modeling of protein sequence and biophysical properties (such as structural, functional, and spatial information, amino acid conservation, physicochemical variation, residue mobility, and thermodynamic stability) indicates that this missense variant is not expected to disrupt RPE65 protein function with a negative predictive value of 80%. In summary, the available evidence is currently insufficient to determine the role of this variant in disease. Therefore, it has been classified as a Variant of Uncertain Significance.